The following is an entry in ClinVar:

NM_000066.4(C8B):c.505T>C (p.Tyr169His)

Gene: C8B (complement C8 beta chain; minus strand). Cytogenetic location: 1p32.2.
Variant type: single nucleotide variant.
Coding change: c.505T>C on transcript NM_000066.4 (MANE Select); coding-DNA position 505, T replaced by C.
Protein change: p.Tyr169His; replaces tyrosine 169 with histidine.
Molecular consequence: missense variant.
Genome position (GRCh38, 1-based): chr1:56,954,714, A>G on the plus strand (T>C on the coding strand, the complement: C8B is on the minus strand). VCF-style: chr1-56954714-A-G. GRCh37 (hg19) VCF-style: chr1-57420387-A-G.
Other names: c.349T>C, p.Tyr117His (NM_001278543.2); c.319T>C, p.Tyr107His (NM_001278544.2); short protein forms Y117H, Y107H, Y169H.
Identifiers: ClinVar variation 1993305 (VCV001993305.4), dbSNP rs1217532521, ClinGen allele CA340509890.

ClinVar aggregate classification (germline): Uncertain significance (1 of 4 stars; one submission).

Submission:

Labcorp Genetics (formerly Invitae), Labcorp
Classification: Uncertain significance. Last evaluated: 2025-02-03. Review status: criteria provided, single submitter. Criteria: Invitae Variant Classification Sherloc (09022015). Collection method: clinical testing. Allele origin: germline.
Comment: This sequence change replaces tyrosine, which is neutral and polar, with histidine, which is basic and polar, at codon 169 of the C8B protein (p.Tyr169His). This variant is present in population databases (no rsID available, gnomAD 0.006%). This variant has not been reported in the literature in individuals affected with C8B-related conditions. ClinVar contains an entry for this variant (Variation ID: 1993305). An algorithm developed to predict the effect of missense changes on protein structure and function (PolyPhen-2) suggests that this variant is likely to be disruptive. In summary, the available evidence is currently insufficient to determine the role of this variant in disease. Therefore, it has been classified as a Variant of Uncertain Significance.